The following is an entry in ClinVar:

NM_001101.5(ACTB):c.587G>A (p.Arg196His)

Gene: ACTB (actin beta; minus strand). Cytogenetic location: 7p22.1.
Variant type: single nucleotide variant.
Coding change: c.587G>A on transcript NM_001101.5 (MANE Select); coding-DNA position 587, G replaced by A.
Protein change: p.Arg196His; replaces arginine 196 with histidine.
Molecular consequence: missense variant.
Genome position (GRCh38, 1-based): chr7:5,528,496, C>T on the plus strand (G>A on the coding strand, the complement: ACTB is on the minus strand). VCF-style: chr7-5528496-C-T. GRCh37 (hg19) VCF-style: chr7-5568127-C-T.
Other names: c.587G>A, p.Arg196His (LRG_132t1); short protein forms R196H.
Identifiers: ClinVar variation 29599 (VCV000029599.52), dbSNP rs281875334, ClinGen allele CA219940.

ClinVar aggregate classification (germline): Pathogenic. Review status: criteria provided, multiple submitters, no conflicts (2 of 4 stars). 9 submissions from 9 submitters: Pathogenic (7). 2 of the submissions do not count toward it. Last evaluated 2025-04-08.

Conditions:
Inborn genetic diseases. Identifiers: MedGen C0950123, MeSH D030342.
Baraitser-Winter syndrome 1 (BRWS1). Also called: BARAITSER-WINTER SYNDROME 1, ATYPICAL; PACHYGYRIA, MENTAL RETARDATION, EPILEPSY, AND CHARACTERISTIC FACIES; MENTAL RETARDATION WITH EPILEPSY AND CHARACTERISTIC FACIES; Cerebrofrontofacial syndrome. Identifiers: Orphanet 2649, Orphanet 2995, MedGen C1855722, MONDO:0009470, OMIM 243310.

Submissions (9):

Johns Hopkins Genomics, Johns Hopkins University
Classification: Pathogenic for Baraitser-Winter syndrome 1. Last evaluated: 2025-04-08. Review status: criteria provided, single submitter. Criteria: ACMG Guidelines, 2015. Collection method: clinical testing. Allele origin: germline.
Comment: This ACTB variant is absent from a large population dataset and has been reported in ClinVar. This variant has been identified in multiple individuals diagnosed with Baraister-Winter syndrome and has been determined to be the result of a de novo change in at least three individuals. Of three bioinformatics tools queried, one predicts that the substitution (p.Arg196His) would be damaging, while two predicts that it would be tolerated. However, these algorithms have low specificity, especially for predicting gain of function variants. The arginine residue at this position is strongly conserved across the vertebrate species assessed, and another alteration at the same codon (p.Arg196Cys) has been reported in individuals with clinical features consistent with Baraister-Winter syndrome. We consider c.587G>A to be pathogenic for autosomal dominant Baraitser-Winter syndrome-1.

Ambry Genetics
Classification: Pathogenic for Inborn genetic diseases. Last evaluated: 2024-02-05. Review status: criteria provided, single submitter. Criteria: Ambry Variant Classification Scheme 2023. Collection method: clinical testing. Allele origin: germline.
Comment: The c.587G>A (p.R196H) alteration is located in exon 4 (coding exon 3) of the ACTB gene. This alteration results from a G to A substitution at nucleotide position 587, causing the arginine (R) at amino acid position 196 to be replaced by a histidine (H)._x000D_ _x000D_ for ACTB-related Baraitser-Winter syndrome; however, its clinical significance for ACTB-related pleiotropic malformation syndrome is uncertain. This variant was not reported in population-based cohorts in the Genome Aggregation Database (gnomAD). This variant has been identified in multiple individuals diagnosed with Baraister-Winter syndrome and has been determined to be the result of a de novo mutation in three individuals diagnosed with Baraitser-Winter syndrome (Rivi&egrave;re, 2012; Cianci, 2017). Another alteration at the same codon, c.586C>T (p.R196C), has been reported in a cohort of individuals with clinical features consistent with Baraister-Winter syndrome (Rivi&egrave;re, 2012). This amino acid position is highly conserved in available vertebrate species. This missense alteration is located in a region that has a low rate of benign missense variation (Lek, 2016; Firth, 2009). This alteration is predicted to be deleterious by in silico analysis. Based on the available evidence, this alteration is classified as pathogenic.

Labcorp Genetics (formerly Invitae), Labcorp
Classification: Pathogenic for Baraitser-Winter syndrome 1. Last evaluated: 2023-12-05. Review status: criteria provided, single submitter. Criteria: Invitae Variant Classification Sherloc (09022015). Collection method: clinical testing. Allele origin: germline.
Comment: This sequence change replaces arginine, which is basic and polar, with histidine, which is basic and polar, at codon 196 of the ACTB protein (p.Arg196His). This variant is not present in population databases (gnomAD no frequency). This missense change has been observed in individual(s) with Baraitser-Winter syndrome (PMID: 22366783). In at least one individual the variant was observed to be de novo. ClinVar contains an entry for this variant (Variation ID: 29599). Advanced modeling of protein sequence and biophysical properties (such as structural, functional, and spatial information, amino acid conservation, physicochemical variation, residue mobility, and thermodynamic stability) performed at Invitae indicates that this missense variant is not expected to disrupt ACTB protein function with a negative predictive value of 80%. This variant disrupts the p.Arg196 amino acid residue in ACTB. Other variant(s) that disrupt this residue have been determined to be pathogenic (PMID: 22366783, 23756437, 25052316). This suggests that this residue is clinically significant, and that variants that disrupt this residue are likely to be disease-causing. For these reasons, this variant has been classified as Pathogenic.

3billion
Classification: Pathogenic for Baraitser-Winter syndrome 1. Last evaluated: 2023-08-22. Review status: criteria provided, single submitter. Criteria: ACMG Guidelines, 2015. Collection method: clinical testing. Allele origin: germline. Affected: yes.
Comment: The variant is not observed in the gnomAD v2.1.1 dataset. Predicted Consequence/Location: The variant is located in a mutational hot spot and/or well-established functional domain in which established pathogenic variants have been reported. Missense changes are a common disease-causing mechanism. In silico tool predictions suggest damaging effect of the variant on gene or gene product [REVEL: 0.82 (>=0.6, sensitivity 0.68 and specificity 0.92); 3Cnet: 0.95 (>=0.6, sensitivity 0.72 and precision 0.9)]. Same nucleotide change resulting in same amino acid change has been previously reported as pathogenic/likely pathogenic with strong evidence (ClinVar ID: VCV000029599 /PMID: 22366783 /3billion dataset). The variant has been previously reported as de novo in a similarly affected individual (PMID: 22366783). The variant has been observed in multiple (>3) similarly affected unrelated individuals (PMID: 22366783). The variant has been previously reported as assumed (i.e. paternity and maternity not confirmed) de novo in at least one similarly affected unrelated individual (3billion dataset). Different missense changes at the same codon (p.Arg196Cys, p.Arg196Gly, p.Arg196Leu, p.Arg196Ser) have been reported as pathogenic/likely pathogenic with strong evidence (ClinVar ID: VCV000029600, VCV000127170, VCV001177326, VCV001193058 /PMID: 22366783, 25052316). Therefore, this variant is classified as Pathogenic according to the recommendation of ACMG/AMP guideline.

GeneDx
Classification: Pathogenic. Last evaluated: 2021-11-05. Review status: criteria provided, single submitter. Criteria: GeneDx Variant Classification Process June 2021. Collection method: clinical testing. Allele origin: germline. Affected: yes.
Comment: Not observed in large population cohorts (Lek et al., 2016); In silico analysis supports that this missense variant has a deleterious effect on protein structure/function; Missense variants in this gene are often considered pathogenic (Stenson et al., 2014); This variant is associated with the following publications: (PMID: 27868373, 22366783, 27625340, 25052316, 27096712, 10928857, 32234145)

CeGaT Center for Human Genetics Tuebingen
Classification: Pathogenic. Last evaluated: 2021-06-01. Review status: criteria provided, single submitter. Criteria: CeGaT Center For Human Genetics Tuebingen Variant Classification Criteria Version 2. Collection method: clinical testing. Allele origin: germline. Affected: yes. Observed: 1 variant allele.

Genetic Services Laboratory, University of Chicago
Classification: Pathogenic for Baraitser-Winter syndrome 1. Last evaluated: 2014-06-05. Review status: criteria provided, single submitter. Criteria: ACMG Guidelines, 2015. Collection method: clinical testing. Allele origin: germline. Affected: yes.

OMIM
Classification: Pathogenic for BARAITSER-WINTER SYNDROME 1. Last evaluated: 2012-02-26. Review status: no assertion criteria provided. Collection method: literature only. Allele origin: germline. Not counted in ClinVar's aggregate classification.

UniProtKB/Swiss-Prot
No classification provided. Review status: no classification provided. Collection method: not provided. Allele origin: not provided. Not counted in ClinVar's aggregate classification.

Literature cited by the submitters: PubMed 22366783 (cited by 5 submitters); PubMed 25052316 (cited by Johns Hopkins Genomics, Johns Hopkins University and Labcorp Genetics (formerly Invitae), Labcorp); PubMed 27868373 (cited by Johns Hopkins Genomics, Johns Hopkins University and Ambry Genetics); PubMed 39930656 (cited by Johns Hopkins Genomics, Johns Hopkins University); PubMed 23756437 (cited by Labcorp Genetics (formerly Invitae), Labcorp); PubMed 10928857 (cited by OMIM).